The following is an entry in ClinVar:

NM_025179.4(PLXNA2):c.5614G>A (p.Glu1872Lys)

Gene: PLXNA2 (plexin A2; minus strand). Cytogenetic location: 1q32.2.
Variant type: single nucleotide variant.
Coding change: c.5614G>A on transcript NM_025179.4 (MANE Select); coding-DNA position 5614, G replaced by A.
Protein change: p.Glu1872Lys; replaces glutamic acid 1872 with lysine.
Molecular consequence: missense variant.
Genome position (GRCh38, 1-based): chr1:208,027,314, C>T on the plus strand (G>A on the coding strand, the complement: PLXNA2 is on the minus strand). VCF-style: chr1-208027314-C-T. GRCh37 (hg19) VCF-style: chr1-208200659-C-T.
Other names: short protein forms E1872K.
Identifiers: ClinVar variation 1978677 (VCV001978677.4), dbSNP rs1571835947, ClinGen allele CA344555343.

ClinVar aggregate classification (germline): Uncertain significance (1 of 4 stars; one submission).

Allele frequency attached by ClinVar (database versions not stated): gnomAD exomes below 0.00001.
gnomAD v4.1: 1 of 1,613,452 alleles (0.000062%); highest among the groups gnomAD compares: Non-Finnish European, 0.000085%; no homozygotes.

Submission:

Labcorp Genetics (formerly Invitae), Labcorp
Classification: Uncertain significance. Last evaluated: 2022-08-22. Review status: criteria provided, single submitter. Criteria: Invitae Variant Classification Sherloc (09022015). Collection method: clinical testing. Allele origin: germline.
Comment: In summary, the available evidence is currently insufficient to determine the role of this variant in disease. Therefore, it has been classified as a Variant of Uncertain Significance. Algorithms developed to predict the effect of missense changes on protein structure and function are either unavailable or do not agree on the potential impact of this missense change (SIFT: "Deleterious"; PolyPhen-2: "Benign"; Align-GVGD: "Class C0"). This variant has not been reported in the literature in individuals affected with PLXNA2-related conditions. This variant is not present in population databases (gnomAD no frequency). This sequence change replaces glutamic acid, which is acidic and polar, with lysine, which is basic and polar, at codon 1872 of the PLXNA2 protein (p.Glu1872Lys).